The following is an entry in ClinVar:

ClinVar aggregate classification (germline): Conflicting classifications of pathogenicity. Review status: criteria provided, conflicting classifications (1 of 4 stars). 2 submissions from 2 submitters: Uncertain significance (1); Likely benign (1). Last evaluated 2025-08-10.

Conditions:
Congenital contractural arachnodactyly (CCA). Also called: Arthrogryposis, distal, type 9; BEALS SYNDROME; Beals-Hecht syndrome. Identifiers: Orphanet 115, MedGen C0220668, MONDO:0007363, OMIM 121050.

Allele frequency attached by ClinVar (database versions not stated): TOPMed below 0.00001; ExAC 0.00002; gnomAD exomes 0.00002.
gnomAD v4.1: 10 of 1,614,022 alleles (0.00062%); highest among the groups gnomAD compares: East Asian, 0.0045%; no homozygotes.

Submissions (2):

Labcorp Genetics (formerly Invitae), Labcorp
Classification: Likely benign for Congenital contractural arachnodactyly. Last evaluated: 2025-08-10. Review status: criteria provided, single submitter. Criteria: Invitae Variant Classification Sherloc (09022015). Collection method: clinical testing. Allele origin: germline.

GeneDx
Classification: Uncertain significance. Last evaluated: 2019-04-11. Review status: criteria provided, single submitter. Criteria: GeneDx Variant Classification Process June 2021. Collection method: clinical testing. Allele origin: germline. Affected: yes.
Comment: Has not been previously published as pathogenic or benign to our knowledge; Does not affect a cysteine residue within a calcium-binding EGF-like domain of the FBN2 gene; cysteine substitutions in the calcium-binding EGF-like domains represent the majority of pathogenic missense changes associated with FBN2 related disorders (Collod-Beroud et al., 2003; Frederic et al., 2009).; In silico analysis, which includes protein predictors and evolutionary conservation, supports that this variant does not alter protein structure/function; Not observed at a significant frequency in large population cohorts (Lek et al., 2016)

NM_001999.4(FBN2):c.8573C>T (p.Thr2858Met)

Gene: FBN2 (fibrillin 2; minus strand). Cytogenetic location: 5q23.3.
Variant type: single nucleotide variant.
Coding change: c.8573C>T on transcript NM_001999.4 (MANE Select); coding-DNA position 8573, C replaced by T.
Protein change: p.Thr2858Met; replaces threonine 2858 with methionine.
Molecular consequence: missense variant.
Genome position (GRCh38, 1-based): chr5:128,259,621, G>A on the plus strand (C>T on the coding strand, the complement: FBN2 is on the minus strand). VCF-style: chr5-128259621-G-A. GRCh37 (hg19) VCF-style: chr5-127595313-G-A.
Other names: short protein forms T2858M.
Identifiers: ClinVar variation 1305089 (VCV001305089.9), dbSNP rs754475064, ClinGen allele CA3393785.
Genomic context (GRCh38, chr5:128,259,621, plus strand): 5'-TAGAGAGGGATGCTAGTGATTTCCAGTGTGTATGTGCCGGGCATGAGCTTCTTCTTGGCC[G>A]TGTGCAAGTAGCTGAGCCCATTCCTTTGGTGGATGCGGAAGACGCTGTCATCGTTCCCTT-3'
Protein context (NP_001990.2, residues 2848-2868): HQRNGLSYLH[Thr2858Met]AKKKLMPGTY